The following is an entry in ClinVar:

NM_000138.5(FBN1):c.87G>T (p.Leu29Phe)

Gene: FBN1 (fibrillin 1; minus strand). Cytogenetic location: 15q21.1.
Variant type: single nucleotide variant.
Coding change: c.87G>T on transcript NM_000138.5 (MANE Select); coding-DNA position 87, G replaced by T.
Protein change: p.Leu29Phe; replaces leucine 29 with phenylalanine.
Molecular consequence: missense variant.
Genome position (GRCh38, 1-based): chr15:48,644,683, C>A on the plus strand (G>T on the coding strand, the complement: FBN1 is on the minus strand). VCF-style: chr15-48644683-C-A. GRCh37 (hg19) VCF-style: chr15-48936880-C-A.
Other names: c.87G>T, p.Leu29Phe (NM_001406716.1, NM_001406717.1, NM_001406718.1); short protein forms L29F.
Identifiers: ClinVar variation 2946856 (VCV002946856.3), dbSNP rs2505822084, ClinGen allele CA392453688.

ClinVar aggregate classification (germline): Uncertain significance (1 of 4 stars; one submission).

Conditions:
Marfan syndrome (MFS). Also called: MARFAN SYNDROME, TYPE I; Marfan syndrome type 1; Marfan's syndrome; Marfan syndrome, classic; FBN1-Related Marfan Syndrome. Identifiers: Orphanet 284963, Orphanet 558, MedGen C0024796, MONDO:0007947, OMIM 154700.
Familial thoracic aortic aneurysm and aortic dissection (TAAD). Also called: Thoracic aortic aneurysms and dissections. Identifiers: Orphanet 91387, MedGen C4707243, MONDO:0019625.

Submission:

Labcorp Genetics (formerly Invitae), Labcorp
Classification: Uncertain significance for Marfan syndrome; Familial thoracic aortic aneurysm and aortic dissection. Last evaluated: 2024-06-19. Review status: criteria provided, single submitter. Criteria: Invitae Variant Classification Sherloc (09022015). Collection method: clinical testing. Allele origin: germline.
Comment: This sequence change replaces leucine, which is neutral and non-polar, with phenylalanine, which is neutral and non-polar, at codon 29 of the FBN1 protein (p.Leu29Phe). This variant is not present in population databases (gnomAD no frequency). This missense change has been observed in individual(s) with clinical features of Marfan syndrome (Invitae). Advanced modeling of protein sequence and biophysical properties (such as structural, functional, and spatial information, amino acid conservation, physicochemical variation, residue mobility, and thermodynamic stability) performed at Invitae indicates that this missense variant is not expected to disrupt FBN1 protein function with a negative predictive value of 95%. In summary, the available evidence is currently insufficient to determine the role of this variant in disease. Therefore, it has been classified as a Variant of Uncertain Significance.